The following is an entry in ClinVar:

ClinVar aggregate classification (germline): Uncertain significance. Review status: criteria provided, multiple submitters, no conflicts (2 of 4 stars). 2 submissions from 2 submitters: Uncertain significance (2). Last evaluated 2025-04-11.

Conditions:
Inborn genetic diseases. Identifiers: MedGen C0950123, MeSH D030342.
Developmental and epileptic encephalopathy, 14 (DEE14). Also called: Early infantile epileptic encephalopathy 14. Identifiers: Orphanet 293181, MedGen C3554195, MONDO:0013989, OMIM 614959.
Autosomal dominant nocturnal frontal lobe epilepsy 5. Also called: Epilepsy, nocturnal frontal lobe, 5; KCNT1-Related Epilepsy; CILIARY DYSKINESIA, PRIMARY, 28, WITHOUT SITUS INVERSUS; CILIARY DYSKINESIA, PRIMARY, 28, WITH SITUS INVERSUS. Identifiers: Orphanet 98784, MedGen C3554306, MONDO:0014002, OMIM 615005.

Allele frequency attached by ClinVar (database versions not stated): gnomAD exomes below 0.00001.
gnomAD v4.1: 2 of 1,612,888 alleles (0.00012%); highest among the groups gnomAD compares: African/African-American, 0.0027%; no homozygotes.

Submissions (2):

Labcorp Genetics (formerly Invitae), Labcorp
Classification: Uncertain significance for Autosomal dominant nocturnal frontal lobe epilepsy 5; Developmental and epileptic encephalopathy, 14. Last evaluated: 2025-04-11. Review status: criteria provided, single submitter. Criteria: Invitae Variant Classification Sherloc (09022015). Collection method: clinical testing. Allele origin: germline.
Comment: This sequence change replaces phenylalanine, which is neutral and non-polar, with leucine, which is neutral and non-polar, at codon 1026 of the KCNT1 protein (p.Phe1026Leu). This variant is not present in population databases (gnomAD no frequency). This variant has not been reported in the literature in individuals affected with KCNT1-related conditions. ClinVar contains an entry for this variant (Variation ID: 644031). Invitae Evidence Modeling of protein sequence and biophysical properties (such as structural, functional, and spatial information, amino acid conservation, physicochemical variation, residue mobility, and thermodynamic stability) indicates that this missense variant is not expected to disrupt KCNT1 protein function with a negative predictive value of 80%. In summary, the available evidence is currently insufficient to determine the role of this variant in disease. Therefore, it has been classified as a Variant of Uncertain Significance.

Ambry Genetics
Classification: Uncertain significance for Inborn genetic diseases. Last evaluated: 2022-01-19. Review status: criteria provided, single submitter. Criteria: Ambry Variant Classification Scheme 2023. Collection method: clinical testing. Allele origin: germline.

NM_020822.3(KCNT1):c.3078C>G (p.Phe1026Leu)

Gene: KCNT1 (potassium sodium-activated channel subfamily T member 1; plus strand). Cytogenetic location: 9q34.3.
Variant type: single nucleotide variant.
Coding change: c.3078C>G on transcript NM_020822.3 (MANE Select); coding-DNA position 3078, C replaced by G.
Protein change: p.Phe1026Leu; replaces phenylalanine 1026 with leucine.
Molecular consequence: missense variant.
Genome position (GRCh38, 1-based): chr9:135,784,811, C>G. VCF-style: chr9-135784811-C-G. GRCh37 (hg19) VCF-style: chr9-138676657-C-G.
Other names: c.2943C>G, p.Phe981Leu (NM_001272003.2); short protein forms F1026L, F981L.
Identifiers: ClinVar variation 644031 (VCV000644031.10), dbSNP rs1588401995, ClinGen allele CA375518135.